The following is an entry in ClinVar:

NM_001244008.2(KIF1A):c.3661del (p.Thr1221fs)

Gene: KIF1A (kinesin family member 1A; minus strand). Cytogenetic location: 2q37.3.
Variant type: Deletion.
Coding change: c.3661del on transcript NM_001244008.2 (MANE Select); coding-DNA position 3661, one base deleted (A; older notation c.3661delA).
Protein change: p.Thr1221fs; shifts the reading frame from threonine 1221.
Molecular consequence: frameshift variant.
Genome position (GRCh38, 1-based): chr2:240,741,357, T deleted on the plus strand (A on the coding strand, the reverse complement: KIF1A is on the minus strand). VCF-style (leftmost placement, unchanged base first): chr2-240741356-GT-G. GRCh37 (hg19) VCF-style: chr2-241680773-GT-G.
Other names: c.3385del, p.Thr1129fs (NM_001320705.2, NM_001330289.2, NM_001379638.1); c.3460del, p.Thr1154fs (NM_001330290.2, NM_001379634.1, NM_001379635.1 and 1 more transcripts); c.3736del, p.Thr1246fs (NM_001379631.1); c.3610del, p.Thr1204fs (NM_001379632.1); c.3634del, p.Thr1212fs (NM_001379633.1, NM_001379642.1, NM_001379645.1); c.3358del, p.Thr1120fs (NM_001379636.1, NM_001379639.1, NM_001379641.1 and 5 more transcripts); c.3433del, p.Thr1145fs (NM_001379637.1, NM_001379648.1); c.3355del, p.Thr1119fs (NM_001379640.1); short protein forms T1119fs, T1120fs, T1129fs, T1145fs, T1154fs, T1204fs, T1212fs, T1221fs.
Identifiers: ClinVar variation 3377464 (VCV003377464.1).
Genomic context (GRCh38, chr2:240,741,356, plus strand): 5'-TCGAAGTAGACCAGCAGGTCGTACTTGCAGTGGCAGGGTCCCGGACAGGGCCGCGTCAGT[GT>G]GCTGAGCTTGGTGGCGGGCACTGTAGGGACAGGAGGGAGGCATGCATGGATGGGAGACCT-3'

ClinVar aggregate classification (germline): Pathogenic (1 of 4 stars; one submission).

Conditions:
Hereditary spastic paraplegia 30. Identifiers: Orphanet 101010, MedGen C5235139, MONDO:0012476.

Submission:

Victorian Clinical Genetics Services, Murdoch Childrens Research Institute
Classification: Pathogenic for Hereditary spastic paraplegia 30. Last evaluated: 2020-05-21. Review status: criteria provided, single submitter. Criteria: ACMG Guidelines, 2015. Collection method: clinical testing. Allele origin: germline. Affected: yes.
Comment: Based on the classification scheme VCGS_Germline_v1.1.0, this variant is classified as Pathogenic. Following criteria are met: 0102 - Loss-of-function is a known mechanism of disease for this gene. (N) 0108 - This gene is known to be associated with both recessive and dominant disease. (N) 0201 - Variant is predicted to cause nonsense-mediated decay (NMD) and loss of protein (exon 33 of 47). (P) 0251 - Variant is heterozygous. (N) 0301 - Variant is absent from gnomAD. (P) 0507 - Identified variant type is not compatible with in silico predictions of pathogenicity. (N) 0701 - Comparable variants have very strong previous evidence for pathogenicity (ClinVar, Pennings, M., et al. (2020)) (P) 0807 - Variant has not previously been reported in a clinical context. 0905 - No segregation evidence has been identified for this variant. (N) 1007 - No published functional evidence has been identified for this variant. (N) 1208 - Inheritance information for this variant is not currently available. (N) Legend: (P) - Pathogenic, (N) - Neutral, (B) - Benign

Literature cited by the submitters: PubMed 31488895.